The following is an entry in ClinVar:

ClinVar aggregate classification (germline): Benign. Review status: criteria provided, multiple submitters, no conflicts (2 of 4 stars). 2 submissions from 2 submitters: Benign (2). Last evaluated 2017-04-27.

Conditions:
X-linked lymphoproliferative disease due to XIAP deficiency. Also called: XIAP DEFICIENCY; XIAP-Related Lymphoproliferative Disease, X-Linked. Identifiers: Orphanet 2442, Orphanet 538934, MedGen C1845076, MONDO:0010385, OMIM 300635.

Allele frequency attached by ClinVar (database versions not stated): gnomAD 0.18591 and 0.19303; TOPMed 0.19134; gnomAD exomes 0.23478 and 0.24268; 1000 Genomes Project 30x 0.25515; 1000 Genomes Project 0.26411; ExAC 0.32786.
gnomAD v4.1: 76,680 of 346,877 alleles (22%); highest among the groups gnomAD compares: South Asian, 39%; 5,528 homozygotes.

Submissions (2):

Illumina Laboratory Services, Illumina
Classification: Benign for X-linked lymphoproliferative disease due to XIAP deficiency. Last evaluated: 2017-04-27. Review status: criteria provided, single submitter. Criteria: ICSL Variant Classification Criteria 13 December 2019. Collection method: clinical testing. Allele origin: germline.
Comment: This variant was observed as part of a predisposition screen in an ostensibly healthy population. A literature search was performed for the gene, cDNA change, and amino acid change (where applicable). No publications were found based on this search. Allele frequency data from public databases was too high to be consistent with this variant causing disease. Therefore, this variant is classified as benign.

Breakthrough Genomics
Classification: Benign. Review status: criteria provided, single submitter. Criteria: ACMG Guidelines, 2015. Collection method: not provided. Allele origin: germline. Inheritance: X-linked inheritance. Affected: yes.

NM_001167.4(XIAP):c.*1676T>C

Gene: XIAP (X-linked inhibitor of apoptosis; plus strand). Cytogenetic location: Xq25.
Variant type: single nucleotide variant.
Coding change: c.*1676T>C on transcript NM_001167.4 (MANE Select); 1676 bases downstream of the stop codon, T replaced by C.
Molecular consequence: 3 prime UTR variant. On other transcripts: non-coding transcript variant (2).
Genome position (GRCh38, 1-based): chrX:123,908,857, T>C. VCF-style: chrX-123908857-T-C. GRCh37 (hg19) VCF-style: chrX-123042707-T-C.
Other names: c.*1676T>C (NM_001204401.2, NM_001378590.1, NM_001378591.1 and 1 more transcripts).
Identifiers: ClinVar variation 367806 (VCV000367806.6), dbSNP rs17334746, ClinGen allele CA10508264.
Genomic context (GRCh38, chrX:123,908,857, plus strand): 5'-AGTTTAAAAATGCTTCATAGAACGTCCAGGGTTTACATTACAAGATTCTCACAACAAACC[T>C]ATTGTAGAGGTGAGTAAGGCATGTTACTACAGAGGAAAGTTTGAGAGTAAAACTGTAAAA-3'